The following is an entry in ClinVar:

NM_001171.6(ABCC6):c.3190C>T (p.Arg1064Trp)

Gene: ABCC6 (ATP binding cassette subfamily C member 6; minus strand). Cytogenetic location: 16p13.11.
Variant type: single nucleotide variant.
Coding change: c.3190C>T on transcript NM_001171.6 (MANE Select); coding-DNA position 3190, C replaced by T.
Protein change: p.Arg1064Trp; replaces arginine 1064 with tryptophan.
Molecular consequence: missense variant. On other transcripts: non-coding transcript variant (1).
Genome position (GRCh38, 1-based): chr16:16,165,739, G>A on the plus strand (C>T on the coding strand, the complement: ABCC6 is on the minus strand). VCF-style: chr16-16165739-G-A. GRCh37 (hg19) VCF-style: chr16-16259596-G-A.
Other names: p.Arg1064Trp; c.2848C>T, p.Arg950Trp (NM_001351800.1); short protein forms R1064W, R950W.
Identifiers: ClinVar variation 433305 (VCV000433305.59), dbSNP rs41278174, ClinGen allele CA7925664.

ClinVar aggregate classification (germline): Benign/Likely benign. Review status: criteria provided, multiple submitters, no conflicts (2 of 4 stars). 19 submissions from 17 submitters: Benign (11); Likely benign (2). 6 of the submissions do not count toward it. Last evaluated 2026-09-01.

Conditions:
Arterial calcification, generalized, of infancy, 2. Identifiers: Orphanet 51608, MedGen C3276161, MONDO:0013768, OMIM 614473.
Autosomal recessive inherited pseudoxanthoma elasticum (PXE). Identifiers: Orphanet 758, MedGen CN032334, MONDO:0009925, OMIM 264800.
Pseudoxanthoma elasticum, forme fruste. Also called: Pseudoxanthoma Elasticum, Incomplete; PSEUDOXANTHOMA ELASTICUM, HETEROZYGOUS. Identifiers: Orphanet 758, MedGen C1867450, MONDO:0008333, OMIM 177850.

Allele frequency attached by ClinVar (database versions not stated): 1000 Genomes Project 30x 0.01077; 1000 Genomes Project 0.01158; TOPMed 0.01480; gnomAD 0.01708 and 0.01757; ESP Exome Variant Server 0.01747; ExAC 0.02058; gnomAD exomes 0.02069 and 0.02485.

Submissions (19):

CeGaT Center for Human Genetics Tuebingen
Classification: Benign. Last evaluated: 2026-09-01. Review status: criteria provided, single submitter. Criteria: CeGaT Center For Human Genetics Tuebingen Variant Classification Criteria Version 2. Collection method: clinical testing. Allele origin: germline. Affected: yes. Observed: 85 variant alleles.
Comment: ABCC6: BS1, BS2

Labcorp Genetics (formerly Invitae), Labcorp
Classification: Benign. Last evaluated: 2026-02-02. Review status: criteria provided, single submitter. Criteria: Invitae Variant Classification Sherloc (09022015). Collection method: clinical testing. Allele origin: germline.

Blueprint Genetics
Classification: Likely benign. Last evaluated: 2024-11-27. Review status: criteria provided, single submitter. Criteria: ACMG Guidelines, 2015. Collection method: clinical testing. Allele origin: germline.

Molecular Genetics, Royal Melbourne Hospital
Classification: Benign for Autosomal recessive inherited pseudoxanthoma elasticum. Last evaluated: 2023-06-06. Review status: criteria provided, single submitter. Criteria: ACMG Guidelines, 2015. Collection method: clinical testing. Allele origin: germline. Inheritance: Autosomal recessive inheritance. Affected: no.

Department of Pathology and Laboratory Medicine, Sinai Health System
Classification: Benign for Arterial calcification, generalized, of infancy, 2; Pseudoxanthoma elasticum, forme fruste; Autosomal recessive inherited pseudoxanthoma elasticum. Last evaluated: 2023-05-17. Review status: criteria provided, single submitter. Criteria: ACMG Guidelines, 2015. Collection method: research. Allele origin: germline.

Mayo Clinic Laboratories, Mayo Clinic
Classification: Benign. Last evaluated: 2023-01-09. Review status: criteria provided, single submitter. Criteria: ACMG Guidelines, 2015. Collection method: clinical testing. Allele origin: germline. Observed: 7 variant alleles.
Comment: BS1, BS2, BS3, BS4

Mendelics
Classification: Benign. Last evaluated: 2022-05-04. Review status: criteria provided, single submitter. Criteria: Mendelics Assertion Criteria 2019. Collection method: clinical testing. Allele origin: germline.

Genome-Nilou Lab
Classification: Benign for Arterial calcification, generalized, of infancy, 2. Last evaluated: 2021-12-05. Review status: criteria provided, single submitter. Criteria: ACMG Guidelines, 2015. Collection method: clinical testing. Allele origin: germline. Affected: no.

Genome-Nilou Lab
Classification: Benign for Autosomal recessive inherited pseudoxanthoma elasticum. Last evaluated: 2021-12-05. Review status: criteria provided, single submitter. Criteria: ACMG Guidelines, 2015. Collection method: clinical testing. Allele origin: germline. Affected: no.

Genome-Nilou Lab
Classification: Benign for Pseudoxanthoma elasticum, forme fruste. Last evaluated: 2021-12-05. Review status: criteria provided, single submitter. Criteria: ACMG Guidelines, 2015. Collection method: clinical testing. Allele origin: germline. Affected: no.

Fulgent Genetics
Classification: Likely benign for Pseudoxanthoma elasticum, forme fruste; Autosomal recessive inherited pseudoxanthoma elasticum; Arterial calcification, generalized, of infancy, 2. Last evaluated: 2021-11-12. Review status: criteria provided, single submitter. Criteria: ACMG Guidelines, 2015. Collection method: clinical testing. Allele origin: unknown.

GeneDx
Classification: Benign. Last evaluated: 2015-03-03. Review status: criteria provided, single submitter. Criteria: GeneDx Variant Classification Process June 2021. Collection method: clinical testing. Allele origin: germline. Affected: yes.
Comment: This variant is associated with the following publications: (PMID: 31456290, 16086317, 25264593)

Breakthrough Genomics
Classification: Benign. Review status: criteria provided, single submitter. Criteria: ACMG Guidelines, 2015. Collection method: not provided. Allele origin: germline. Inheritance: Autosomal recessive inheritance. Affected: yes.

PXE International
Classification: Benign for Autosomal recessive inherited pseudoxanthoma elasticum. Last evaluated: 2021-10-05. Review status: no assertion criteria provided. Collection method: research. Allele origin: germline. Inheritance: Autosomal recessive inheritance. Affected: yes. Observed: 1 variant allele. Not counted in ClinVar's aggregate classification.

Sharon lab, Hadassah-Hebrew University Medical Center
Classification: Likely pathogenic for Pseudoxanthoma elasticum. Last evaluated: 2019-06-23. Review status: no assertion criteria provided. Collection method: research. Allele origin: inherited. Affected: yes. Not counted in ClinVar's aggregate classification.

Clinical Genetics DNA and cytogenetics Diagnostics Lab, Erasmus MC, Erasmus Medical Center
Classification: Benign. Review status: no assertion criteria provided. Collection method: clinical testing. Allele origin: germline. Affected: yes. Study: VKGL Data-share Consensus. Not counted in ClinVar's aggregate classification.

Clinical Genetics, Academic Medical Center
Classification: Benign. Review status: no assertion criteria provided. Collection method: clinical testing. Allele origin: germline. Affected: yes. Study: VKGL Data-share Consensus. Not counted in ClinVar's aggregate classification.

Diagnostic Laboratory, Department of Genetics, University Medical Center Groningen
Classification: Benign. Review status: no assertion criteria provided. Collection method: clinical testing. Allele origin: germline. Affected: yes. Study: VKGL Data-share Consensus. Not counted in ClinVar's aggregate classification.

Joint Genome Diagnostic Labs from Nijmegen and Maastricht, Radboudumc and MUMC+
Classification: Likely benign. Review status: no assertion criteria provided. Collection method: clinical testing. Allele origin: germline. Affected: yes. Study: VKGL Data-share Consensus. Not counted in ClinVar's aggregate classification.

Literature cited by the submitters: PubMed 16086317 (cited by Mayo Clinic Laboratories, Mayo Clinic); PubMed 25264593 (cited by Mayo Clinic Laboratories, Mayo Clinic); PubMed 32818659 (cited by Mayo Clinic Laboratories, Mayo Clinic); PubMed 34597610 (cited by Mayo Clinic Laboratories, Mayo Clinic and PXE International); PubMed 32873932 (cited by PXE International).